The following is an entry in ClinVar:

ClinVar aggregate classification (germline): Likely pathogenic (1 of 4 stars; one submission).

Submission:

Labcorp Genetics (formerly Invitae), Labcorp
Classification: Likely pathogenic. Last evaluated: 2023-04-30. Review status: criteria provided, single submitter. Criteria: Invitae Variant Classification Sherloc (09022015). Collection method: clinical testing. Allele origin: germline.
Comment: In summary, the currently available evidence indicates that the variant is pathogenic, but additional data are needed to prove that conclusively. Therefore, this variant has been classified as Likely Pathogenic. This variant disrupts the p.Gln624 amino acid residue in MUT. Other variant(s) that disrupt this residue have been determined to be pathogenic (PMID: 15643616, 20549364, 27167370, 27233228). This suggests that this residue is clinically significant, and that variants that disrupt this residue are likely to be disease-causing. Advanced modeling of protein sequence and biophysical properties (such as structural, functional, and spatial information, amino acid conservation, physicochemical variation, residue mobility, and thermodynamic stability) performed at Invitae indicates that this missense variant is expected to disrupt MUT protein function. This variant has not been reported in the literature in individuals affected with MUT-related conditions. This variant is not present in population databases (gnomAD no frequency). This sequence change replaces glutamine, which is neutral and polar, with lysine, which is basic and polar, at codon 624 of the MUT protein (p.Gln624Lys).

Literature cited by the submitters: PubMed 15643616; PubMed 20549364; PubMed 27167370; PubMed 27233228.

NM_000255.4(MMUT):c.1870C>A (p.Gln624Lys)

Gene: MMUT (methylmalonyl-CoA mutase; minus strand). Cytogenetic location: 6p12.3.
Variant type: single nucleotide variant.
Coding change: c.1870C>A on transcript NM_000255.4 (MANE Select); coding-DNA position 1870, C replaced by A.
Protein change: p.Gln624Lys; replaces glutamine 624 with lysine.
Molecular consequence: missense variant.
Genome position (GRCh38, 1-based): chr6:49,440,292, G>T on the plus strand (C>A on the coding strand, the complement: MMUT is on the minus strand). VCF-style: chr6-49440292-G-T. GRCh37 (hg19) VCF-style: chr6-49408005-G-T.
Other names: short protein forms Q624K.
Identifiers: ClinVar variation 3016394 (VCV003016394.3), dbSNP rs1767240499, ClinGen allele CA364395216.